The following is an entry in ClinVar:

NM_000343.4(SLC5A1):c.1334A>G (p.Gln445Arg)

Gene: SLC5A1 (solute carrier family 5 member 1; plus strand). Cytogenetic location: 22q12.3.
Variant type: single nucleotide variant.
Coding change: c.1334A>G on transcript NM_000343.4 (MANE Select); coding-DNA position 1334, A replaced by G.
Protein change: p.Gln445Arg; replaces glutamine 445 with arginine.
Molecular consequence: missense variant.
Genome position (GRCh38, 1-based): chr22:32,099,236, A>G. VCF-style: chr22-32099236-A-G. GRCh37 (hg19) VCF-style: chr22-32495223-A-G.
Other names: c.953A>G, p.Gln318Arg (NM_001256314.2); short protein forms Q318R, Q445R.
Identifiers: ClinVar variation 4797060 (VCV004797060.1).

ClinVar aggregate classification (germline): Uncertain significance (1 of 4 stars; one submission).

Conditions:
Congenital glucose-galactose malabsorption (GGM). Also called: DIARRHEA 16; MONOSACCHARIDE MALABSORPTION. Identifiers: Orphanet 35710, MedGen C0268186, MONDO:0011731, OMIM 606824.

gnomAD v4.1: 6 of 1,611,932 alleles (0.00037%); highest among the groups gnomAD compares: African/African-American, 0.0027%; no homozygotes.

Submission:

Labcorp Genetics (formerly Invitae), Labcorp
Classification: Uncertain significance for Congenital glucose-galactose malabsorption. Last evaluated: 2025-06-16. Review status: criteria provided, single submitter. Criteria: Invitae Variant Classification Sherloc (09022015). Collection method: clinical testing. Allele origin: germline.
Comment: This sequence change replaces glutamine, which is neutral and polar, with arginine, which is basic and polar, at codon 445 of the SLC5A1 protein (p.Gln445Arg). This variant is present in population databases (no rsID available, gnomAD 0.007%). This variant has not been reported in the literature in individuals affected with SLC5A1-related conditions. Invitae Evidence Modeling of protein sequence and biophysical properties (such as structural, functional, and spatial information, amino acid conservation, physicochemical variation, residue mobility, and thermodynamic stability) has been performed for this missense variant. However, the output from this modeling did not meet the statistical confidence thresholds required to predict the impact of this variant on SLC5A1 protein function. In summary, the available evidence is currently insufficient to determine the role of this variant in disease. Therefore, it has been classified as a Variant of Uncertain Significance.